The following is an entry in ClinVar:

ClinVar aggregate classification (germline): Uncertain significance (1 of 4 stars; one submission).

Allele frequency attached by ClinVar (database versions not stated): gnomAD exomes 0.00001; ExAC 0.00003; TOPMed 0.00009; gnomAD 0.00011; ESP Exome Variant Server 0.00015.
gnomAD v4.1: 30 of 1,436,736 alleles (0.0021%); highest among the groups gnomAD compares: African/African-American, 0.039%; no homozygotes.

Submission:

Labcorp Genetics (formerly Invitae), Labcorp
Classification: Uncertain significance. Last evaluated: 2022-03-02. Review status: criteria provided, single submitter. Criteria: Invitae Variant Classification Sherloc (09022015). Collection method: clinical testing. Allele origin: germline.
Comment: This sequence change falls in intron 9 of the PDE8B gene. It does not directly change the encoded amino acid sequence of the PDE8B protein. In summary, the available evidence is currently insufficient to determine the role of this variant in disease. Therefore, it has been classified as a Variant of Uncertain Significance. Algorithms developed to predict the effect of sequence changes on RNA splicing suggest that this variant may create or strengthen a splice site. This variant has not been reported in the literature in individuals affected with PDE8B-related conditions. This variant is present in population databases (rs370088318, gnomAD 0.04%).

NM_003719.5(PDE8B):c.1107-15A>T

Gene: PDE8B (phosphodiesterase 8B; plus strand). Cytogenetic location: 5q13.3.
Variant type: single nucleotide variant.
Coding change: c.1107-15A>T on transcript NM_003719.5 (MANE Select); 15 bases into the intron before coding-DNA position 1107, A replaced by T.
Molecular consequence: intron variant.
Genome position (GRCh38, 1-based): chr5:77,353,331, A>T. VCF-style: chr5-77353331-A-T. GRCh37 (hg19) VCF-style: chr5-76649156-A-T.
Other names: c.867-15A>T (NM_001349750.3); c.723-15A>T (NM_001376069.1); c.804-15A>T (NM_001376062.1, NM_001376072.1); c.663-15A>T (NM_001376070.1); c.573+8400A>T (NM_001376073.1); c.801-15A>T (NM_001349752.3); c.660-15A>T (NM_001376071.1); c.744-15A>T (NM_001376066.1); and 12 more.
Identifiers: ClinVar variation 1907981 (VCV001907981.5), dbSNP rs370088318, ClinGen allele CA3315140.